The following is an entry in ClinVar:

NM_000540.3(RYR1):c.13925C>T (p.Pro4642Leu)

Gene: RYR1 (ryanodine receptor 1; plus strand). Cytogenetic location: 19q13.2.
Variant type: single nucleotide variant.
Coding change: c.13925C>T on transcript NM_000540.3 (MANE Select); coding-DNA position 13925, C replaced by T.
Protein change: p.Pro4642Leu; replaces proline 4642 with leucine.
Molecular consequence: missense variant.
Genome position (GRCh38, 1-based): chr19:38,572,197, C>T. VCF-style: chr19-38572197-C-T. GRCh37 (hg19) VCF-style: chr19-39062837-C-T.
Other names: c.13910C>T, p.Pro4637Leu (NM_001042723.2); short protein forms P4642L, P4637L.
Identifiers: ClinVar variation 1364087 (VCV001364087.6), dbSNP rs2145870190, ClinGen allele CA405681161.

ClinVar aggregate classification (germline): Uncertain significance (1 of 4 stars; one submission).

Conditions:
RYR1-related disorder. Also called: RYR1-related condition; RYR1-related disorders. Identifiers: MedGen CN239331.

Allele frequency attached by ClinVar (database versions not stated): gnomAD exomes below 0.00001.

Submission:

Labcorp Genetics (formerly Invitae), Labcorp
Classification: Uncertain significance for RYR1-related disorder. Last evaluated: 2024-09-08. Review status: criteria provided, single submitter. Criteria: Invitae Variant Classification Sherloc (09022015). Collection method: clinical testing. Allele origin: germline.
Comment: This sequence change replaces proline, which is neutral and non-polar, with leucine, which is neutral and non-polar, at codon 4642 of the RYR1 protein (p.Pro4642Leu). This variant is not present in population databases (gnomAD no frequency). This variant has not been reported in the literature in individuals affected with RYR1-related conditions. ClinVar contains an entry for this variant (Variation ID: 1364087). Invitae Evidence Modeling of protein sequence and biophysical properties (such as structural, functional, and spatial information, amino acid conservation, physicochemical variation, residue mobility, and thermodynamic stability) indicates that this missense variant is expected to disrupt RYR1 protein function with a positive predictive value of 95%. In summary, the available evidence is currently insufficient to determine the role of this variant in disease. Therefore, it has been classified as a Variant of Uncertain Significance.